The following is an entry in ClinVar:

NM_000719.7(CACNA1C):c.18G>T (p.Thr6=)

Gene: CACNA1C (calcium voltage-gated channel subunit alpha1 C; plus strand). Cytogenetic location: 12p13.33.
Variant type: single nucleotide variant.
Coding change: c.18G>T on transcript NM_000719.7 (MANE Select); coding-DNA position 18, G replaced by T.
Protein change: p.Thr6=; no amino-acid change (threonine 6 retained).
Molecular consequence: synonymous variant.
Genome position (GRCh38, 1-based): chr12:2,053,580, G>T. VCF-style: chr12-2053580-G-T. GRCh37 (hg19) VCF-style: chr12-2162746-G-T.
Other names: c.18G>T, p.Thr6= (NM_001129834.2, NM_001129835.2, NM_001129836.2 and 19 more transcripts).
Identifiers: ClinVar variation 2642572 (VCV002642572.24), dbSNP rs376806516, ClinGen allele CA6388351.

ClinVar aggregate classification (germline): Likely benign (1 of 4 stars; one submission).

Allele frequency attached by ClinVar (database versions not stated): ExAC 0.00006; ESP Exome Variant Server 0.00008.
gnomAD v4.1: 3 of 1,600,938 alleles (0.00019%); highest among the groups gnomAD compares: Non-Finnish European, 0.00026%; no homozygotes.

Submission:

CeGaT Center for Human Genetics Tuebingen
Classification: Likely benign. Last evaluated: 2022-06-01. Review status: criteria provided, single submitter. Criteria: CeGaT Center For Human Genetics Tuebingen Variant Classification Criteria Version 2. Collection method: clinical testing. Allele origin: germline. Affected: yes. Observed: 1 variant allele.
Comment: CACNA1C: BP4, BP7